The following is an entry in ClinVar:

NM_001711.6(BGN):c.989C>T (p.Ala330Val)

Gene: BGN (biglycan; plus strand). Cytogenetic location: Xq28.
Variant type: single nucleotide variant.
Coding change: c.989C>T on transcript NM_001711.6 (MANE Select); coding-DNA position 989, C replaced by T.
Protein change: p.Ala330Val; replaces alanine 330 with valine.
Molecular consequence: missense variant.
Genome position (GRCh38, 1-based): chrX:153,508,327, C>T. VCF-style: chrX-153508327-C-T. GRCh37 (hg19) VCF-style: chrX-152773785-C-T.
Other names: short protein forms A330V.
Identifiers: ClinVar variation 2818032 (VCV002818032.3), dbSNP rs200168210, ClinGen allele CA415071796.

ClinVar aggregate classification (germline): Uncertain significance (1 of 4 stars; one submission).

Submission:

Labcorp Genetics (formerly Invitae), Labcorp
Classification: Uncertain significance. Last evaluated: 2022-12-02. Review status: criteria provided, single submitter. Criteria: Invitae Variant Classification Sherloc (09022015). Collection method: clinical testing. Allele origin: germline.
Comment: In summary, the available evidence is currently insufficient to determine the role of this variant in disease. Therefore, it has been classified as a Variant of Uncertain Significance. Advanced modeling of protein sequence and biophysical properties (such as structural, functional, and spatial information, amino acid conservation, physicochemical variation, residue mobility, and thermodynamic stability) performed at Invitae indicates that this missense variant is not expected to disrupt BGN protein function. This variant has not been reported in the literature in individuals affected with BGN-related conditions. This variant is not present in population databases (gnomAD no frequency). This sequence change replaces alanine, which is neutral and non-polar, with valine, which is neutral and non-polar, at codon 330 of the BGN protein (p.Ala330Val).